The following is an entry in ClinVar:

ClinVar aggregate classification (germline): Uncertain significance (1 of 4 stars; one submission).

Allele frequency attached by ClinVar (database versions not stated): gnomAD exomes 0.00002.
gnomAD v4.1: 29 of 1,568,652 alleles (0.0018%); highest among the groups gnomAD compares: Non-Finnish European, 0.0023%; no homozygotes.

Submission:

Labcorp Genetics (formerly Invitae), Labcorp
Classification: Uncertain significance. Last evaluated: 2022-01-15. Review status: criteria provided, single submitter. Criteria: Invitae Variant Classification Sherloc (09022015). Collection method: clinical testing. Allele origin: germline.
Comment: In summary, the available evidence is currently insufficient to determine the role of this variant in disease. Therefore, it has been classified as a Variant of Uncertain Significance. Algorithms developed to predict the effect of missense changes on protein structure and function (SIFT, PolyPhen-2, Align-GVGD) all suggest that this variant is likely to be disruptive. This variant has not been reported in the literature in individuals affected with MYH14-related conditions. The frequency data for this variant in the population databases is considered unreliable, as metrics indicate poor data quality at this position in the gnomAD database. This sequence change replaces arginine, which is basic and polar, with cysteine, which is neutral and slightly polar, at codon 293 of the MYH14 protein (p.Arg293Cys).

NM_001145809.2(MYH14):c.901C>T (p.Arg301Cys)

Genes: MYH14 (myosin heavy chain 14; plus strand), LOC121852992 (Sharpr-MPRA regulatory region 11309; plus strand). Cytogenetic location: 19q13.33.
Variant type: single nucleotide variant.
Coding change: c.901C>T on transcript NM_001145809.2 (MANE Select); coding-DNA position 901, C replaced by T.
Protein change: p.Arg301Cys; replaces arginine 301 with cysteine.
Molecular consequence: missense variant.
Genome position (GRCh38, 1-based): chr19:50,230,551, C>T. VCF-style: chr19-50230551-C-T. GRCh37 (hg19) VCF-style: chr19-50733808-C-T.
Other names: c.901C>T, p.Arg301Cys (NM_001077186.2); c.877C>T, p.Arg293Cys (NM_024729.4); short protein forms R301C, R293C.
Identifiers: ClinVar variation 1961763 (VCV001961763.5), dbSNP rs1223133544, ClinGen allele CA406953594.
Genomic context (GRCh38, chr19:50,230,551, plus strand): 5'-CTTCCCCTCTAGCACCTTGACTCGCTGTGTCCAGACCTGCTGGAGAAGTCGCGGGCCATC[C>T]GCCAGGCCAAGGACGAGTGCAGCTTCCACATCTTCTACCAGCTGCTGGGGGGCGCTGGAG-3'
Protein context (NP_001139281.1, residues 291-311): TYLLEKSRAI[Arg301Cys]QAKDECSFHI